The following is an entry in ClinVar:

NM_172362.3(KCNH1):c.301A>C (p.Lys101Gln)

Gene: KCNH1 (potassium voltage-gated channel subfamily H member 1; minus strand). Cytogenetic location: 1q32.2.
Variant type: single nucleotide variant.
Coding change: c.301A>C on transcript NM_172362.3 (MANE Select); coding-DNA position 301, A replaced by C.
Protein change: p.Lys101Gln; replaces lysine 101 with glutamine.
Molecular consequence: missense variant.
Genome position (GRCh38, 1-based): chr1:211,103,505, T>G on the plus strand (A>C on the coding strand, the complement: KCNH1 is on the minus strand). VCF-style: chr1-211103505-T-G. GRCh37 (hg19) VCF-style: chr1-211276847-T-G.
Other names: c.301A>C, p.Lys101Gln (NM_002238.4); short protein forms K101Q.
Identifiers: ClinVar variation 3674922 (VCV003674922.2).

ClinVar aggregate classification (germline): Uncertain significance (1 of 4 stars; one submission).

gnomAD v4.1: 1 of 1,604,002 alleles (0.000062%); highest among the groups gnomAD compares: Non-Finnish European, 0.000085%; no homozygotes.

Submission:

Labcorp Genetics (formerly Invitae), Labcorp
Classification: Uncertain significance. Last evaluated: 2024-03-27. Review status: criteria provided, single submitter. Criteria: Invitae Variant Classification Sherloc (09022015). Collection method: clinical testing. Allele origin: germline.
Comment: This sequence change replaces lysine, which is basic and polar, with glutamine, which is neutral and polar, at codon 101 of the KCNH1 protein (p.Lys101Gln). This variant is not present in population databases (gnomAD no frequency). This variant has not been reported in the literature in individuals affected with KCNH1-related conditions. Advanced modeling of protein sequence and biophysical properties (such as structural, functional, and spatial information, amino acid conservation, physicochemical variation, residue mobility, and thermodynamic stability) performed at Invitae indicates that this missense variant is expected to disrupt KCNH1 protein function with a positive predictive value of 95%. In summary, the available evidence is currently insufficient to determine the role of this variant in disease. Therefore, it has been classified as a Variant of Uncertain Significance.